The following is an entry in ClinVar:

NM_014423.4(AFF4):c.667C>G (p.Pro223Ala)

Gene: AFF4 (ALF transcription elongation factor 4; minus strand). Cytogenetic location: 5q31.1.
Variant type: single nucleotide variant.
Coding change: c.667C>G on transcript NM_014423.4 (MANE Select); coding-DNA position 667, C replaced by G.
Protein change: p.Pro223Ala; replaces proline 223 with alanine.
Molecular consequence: missense variant.
Genome position (GRCh38, 1-based): chr5:132,934,398, G>C on the plus strand (C>G on the coding strand, the complement: AFF4 is on the minus strand). VCF-style: chr5-132934398-G-C. GRCh37 (hg19) VCF-style: chr5-132270090-G-C.
Other names: short protein forms P223A.
Identifiers: ClinVar variation 3047281 (VCV003047281.2), dbSNP rs1761371602, ClinGen allele CA360959123.

ClinVar aggregate classification (germline): Uncertain significance (0 of 4 stars; one submission).

Conditions:
AFF4-related disorder. Also called: AFF4-related condition.

Allele frequency attached by ClinVar (database versions not stated): gnomAD exomes below 0.00001; TOPMed below 0.00001.
gnomAD v4.1: 2 of 1,614,140 alleles (0.00012%); highest among the groups gnomAD compares: Non-Finnish European, 0.00017%; no homozygotes.

Submission:

PreventionGenetics, part of Exact Sciences
Classification: Uncertain significance for AFF4-related condition. Last evaluated: 2024-01-25. Review status: no assertion criteria provided. Collection method: clinical testing. Allele origin: germline.
Comment: The AFF4 c.667C>G variant is predicted to result in the amino acid substitution p.Pro223Ala. To our knowledge, this variant has not been reported in the literature or in a large population database, indicating this variant is rare. At this time, the clinical significance of this variant is uncertain due to the absence of conclusive functional and genetic evidence.